The following is an entry in ClinVar:

NM_015122.3(FCHO1):c.1183G>T (p.Gly395Cys)

Gene: FCHO1 (FCH and mu domain containing endocytic adaptor 1; plus strand). Cytogenetic location: 19p13.11.
Variant type: single nucleotide variant.
Coding change: c.1183G>T on transcript NM_015122.3 (MANE Select); coding-DNA position 1183, G replaced by T.
Protein change: p.Gly395Cys; replaces glycine 395 with cysteine.
Molecular consequence: missense variant. On other transcripts: non-coding transcript variant (36).
Genome position (GRCh38, 1-based): chr19:17,776,247, G>T. VCF-style: chr19-17776247-G-T. GRCh37 (hg19) VCF-style: chr19-17887056-G-T.
Other names: c.1183G>T, p.Gly395Cys (NM_001161357.2, NM_001161358.2, NM_001384370.1 and 25 more transcripts); c.1033G>T, p.Gly345Cys (NM_001161359.2, NM_001384384.1, NM_001384385.1 and 3 more transcripts); c.1144G>T, p.Gly382Cys (NM_001384388.1, NM_001384389.1, NM_001384405.1); c.1108G>T, p.Gly370Cys (NM_001384390.1); c.1138G>T, p.Gly380Cys (NM_001384403.1); short protein forms G370C, G380C, G345C, G382C, G395C.
Identifiers: ClinVar variation 2118237 (VCV002118237.4), dbSNP rs2513798473, ClinGen allele CA404751631.

ClinVar aggregate classification (germline): Uncertain significance (1 of 4 stars; one submission).

Submission:

Labcorp Genetics (formerly Invitae), Labcorp
Classification: Uncertain significance. Last evaluated: 2025-09-08. Review status: criteria provided, single submitter. Criteria: Invitae Variant Classification Sherloc (09022015). Collection method: clinical testing. Allele origin: germline.
Comment: This sequence change replaces glycine, which is neutral and non-polar, with cysteine, which is neutral and slightly polar, at codon 395 of the FCHO1 protein (p.Gly395Cys). This variant is not present in population databases (gnomAD no frequency). This variant has not been reported in the literature in individuals affected with FCHO1-related conditions. ClinVar contains an entry for this variant (Variation ID: 2118237). An algorithm developed to predict the effect of missense changes on protein structure and function (PolyPhen-2) suggests that this variant is likely to be disruptive. In summary, the available evidence is currently insufficient to determine the role of this variant in disease. Therefore, it has been classified as a Variant of Uncertain Significance.